The following is an entry in ClinVar:

ClinVar aggregate classification (germline): Likely pathogenic (1 of 4 stars; one submission).

Submission:

GeneDx
Classification: Likely pathogenic. Last evaluated: 2016-03-14. Review status: criteria provided, single submitter. Criteria: GeneDx Variant Classification (06012015). Collection method: clinical testing. Allele origin: germline. Affected: yes.
Comment: The T867P variant in the CACNA1G gene has not been reported previously as a pathogenic variant, nor as a benign variant, to our knowledge. The T867P variant was not observed in approximately 6500 individuals of European and African American ancestry in the NHLBI Exome Sequencing Project, indicating it is not a common benign variant in these populations. The T867P variant is a non-conservative amino acid substitution, which is likely to impact secondary protein structure as these residues differ in polarity, charge, size and/or other properties. This substitution occurs at a position that is conserved across species and in silico analysis predicts this variant is probably damaging to the protein structure/function. The T867P variant is a strong candidate for a pathogenic variant

NM_018896.5(CACNA1G):c.2599A>C (p.Thr867Pro)

Gene: CACNA1G (calcium voltage-gated channel subunit alpha1 G; plus strand). Cytogenetic location: 17q21.33.
Variant type: single nucleotide variant.
Coding change: c.2599A>C on transcript NM_018896.5 (MANE Select); coding-DNA position 2599, A replaced by C.
Protein change: p.Thr867Pro; replaces threonine 867 with proline.
Molecular consequence: missense variant. On other transcripts: non-coding transcript variant (5).
Genome position (GRCh38, 1-based): chr17:50,591,580, A>C. VCF-style: chr17-50591580-A-C. GRCh37 (hg19) VCF-style: chr17-48668941-A-C.
Other names: c.2599A>C, p.Thr867Pro (NM_001256324.2, NM_001256325.2, NM_001256326.2 and 24 more transcripts); short protein forms T867P.
Identifiers: ClinVar variation 265067 (VCV000265067.2), dbSNP rs886039324, ClinGen allele CA10588667.
Genomic context (GRCh38, chr17:50,591,580, plus strand): 5'-TTCCTGCCGGCGCTGCAGCGGCAGCTGGTGGTGCTCATGAAGACCATGGACAACGTGGCC[A>C]CCTTCTGCATGCTGCTTATGCTCTTCATCTTCATCTTCAGGTGAGGGCGGCATGGCACCT-3'
Protein context (NP_061496.2, residues 857-877): VLMKTMDNVA[Thr867Pro]FCMLLMLFIF